The following is an entry in ClinVar:

ClinVar aggregate classification (germline): Uncertain significance (1 of 4 stars; one submission).

Conditions:
Hereditary cancer-predisposing syndrome. Also called: Tumor predisposition; Hereditary Cancer Syndrome; Neoplastic Syndromes, Hereditary; Hereditary neoplastic syndrome. Identifiers: Orphanet 140162, MedGen C0027672, MeSH D009386, MONDO:0015356.

Submission:

Color Diagnostics, LLC DBA Color Health
Classification: Uncertain significance for Hereditary cancer-predisposing syndrome. Last evaluated: 2025-11-10. Review status: criteria provided, single submitter. Criteria: ACMG Guidelines, 2015. Collection method: clinical testing. Allele origin: germline.
Comment: This variant causes an in-frame three protein amino acids deletion in a region of the BRCA1 protein that does not contain any clinically relevant functional domains (PMID: 39142283). To our knowledge, functional studies have not been reported for this variant. This variant has not been reported in individuals affected with BRCA1-related disorders in the literature. This variant has not been identified in the general population by the Genome Aggregation Database (gnomAD). The available evidence is insufficient to determine the role of this variant in disease conclusively. Therefore, this variant is classified as a Variant of Uncertain Significance.

Literature cited by the submitters: PubMed 39142283.

NM_007294.4(BRCA1):c.1769_1777del (p.Ser590_Ser592del)

Gene: BRCA1 (BRCA1 DNA repair associated; minus strand). Cytogenetic location: 17q21.31.
Variant type: Deletion.
Coding change: c.1769_1777del on transcript NM_007294.4 (MANE Select); coding-DNA positions 1769 to 1777, 9 bases deleted (GTATAAGCA; older notation c.1769_1777delGTATAAGCA).
Protein change: p.Ser590_Ser592del.
Molecular consequence: intron variant (on NM_001408458.1).
Genome position (GRCh38, 1-based): chr17:43,093,754-43,093,762, TGCTTATAC deleted on the plus strand (GTATAAGCA on the coding strand, the reverse complement: BRCA1 is on the minus strand); deleting any 9 consecutive bases within chr17:43,093,754-43,093,766 gives the same sequence; the c. name uses the placement nearest the transcript's 3' end. VCF-style (leftmost placement, unchanged base first): chr17-43093753-TTGCTTATAC-T. GRCh37 (hg19) VCF-style: chr17-41245770-TTGCTTATAC-T.
Other names: c.1691_1699del, p.Ser564_Ser566del (NM_001407655.1, NM_001407656.1, NM_001407657.1 and 4 more transcripts); c.1646_1654del, p.Ser549_Ser551del (NM_001407666.1, NM_001407667.1, NM_001407664.1 and 19 more transcripts); c.1688_1696del, p.Ser563_Ser565del (NM_001407659.1, NM_001407660.1, NM_001407661.1 and 1 more transcripts); c.1556_1564del, p.Ser519_Ser521del (NM_001407571.1, NM_001407853.1, NM_001407894.1 and 9 more transcripts); c.1769_1777del, p.Ser590_Ser592del (NM_001407581.1, NM_001407582.1, NM_001407583.1 and 30 more transcripts); c.1766_1774del, p.Ser589_Ser591del (NM_001407587.1, NM_001407590.1, NM_001407591.1 and 22 more transcripts); c.1760_1768del, p.Ser587_Ser589del (NM_001407646.1, NM_001407647.1); c.1643_1651del, p.Ser548_Ser550del (NM_001407649.1, NM_001407670.1, NM_001407671.1 and 11 more transcripts); and 40 more.
Identifiers: ClinVar variation 4758287 (VCV004758287.1).